The following is an entry in ClinVar:

ClinVar aggregate classification (germline): Likely pathogenic (1 of 4 stars; one submission).

Conditions:
ACAD8-related disorder. Also called: ACAD8-related condition.

gnomAD v4.1: 9 of 1,613,854 alleles (0.00056%); highest among the groups gnomAD compares: South Asian, 0.0088%; no homozygotes.

Submission:

PreventionGenetics, part of Exact Sciences
Classification: Likely pathogenic for ACAD8-related condition. Last evaluated: 2023-02-24. Review status: criteria provided, single submitter. Criteria: ACMG Guidelines, 2015. Collection method: clinical testing. Allele origin: germline.
Comment: The ACAD8 c.1092+2T>G variant is predicted to disrupt the GT donor site and interfere with normal splicing. To our knowledge, this variant has not been reported in the literature. However, another variant impacting the same splice site (c.1092+1G>A) was reported along with a second pathogenic ACAD8 variant in two siblings with isobutyryl-CoA dehydrogenase deficiency (IBDHD), and RNA studies showed that the c.1092+1G>A variant lead to skipping of exon 9 (Lin et al. 2018. PubMed ID: 30253142). The c.1092+2T>G variant is reported in 0.016% of alleles in individuals of South Asian descent in gnomAD. Variants that disrupt consensus splice donor sites in ACAD8 are expected to be pathogenic. Taken together, this variant is interpreted as likely pathogenic.

NM_014384.3(ACAD8):c.1092+2T>G

Gene: ACAD8 (acyl-CoA dehydrogenase family member 8; plus strand). Cytogenetic location: 11q25.
Variant type: single nucleotide variant.
Coding change: c.1092+2T>G on transcript NM_014384.3 (MANE Select); the canonical splice donor site of the intron after coding-DNA position 1092, T replaced by G.
Molecular consequence: splice donor variant.
Genome position (GRCh38, 1-based): chr11:134,261,892, T>G. VCF-style: chr11-134261892-T-G. GRCh37 (hg19) VCF-style: chr11-134131786-T-G.
Identifiers: ClinVar variation 2628828 (VCV002628828.1), dbSNP rs934865815, ClinGen allele CA383518781.